The following is an entry in ClinVar:

ClinVar aggregate classification (germline): Uncertain significance (1 of 4 stars; one submission).

Conditions:
Majeed syndrome (MJDS). Also called: LPIN2-Related Majeed Syndrome; CHRONIC RECURRENT MULTIFOCAL OSTEOMYELITIS 1, WITH CONGENITAL DYSERYTHROPOIETIC ANEMIA, WITH OR WITHOUT NEUTROPHILIC DERMATOSIS. Identifiers: Orphanet 77297, MedGen C1864997, MONDO:0012316, OMIM 609628.

Allele frequency attached by ClinVar (database versions not stated): gnomAD exomes below 0.00001; TOPMed below 0.00001; gnomAD 0.00001.
gnomAD v4.1: 3 of 1,613,902 alleles (0.00019%); highest among the groups gnomAD compares: Non-Finnish European, 0.00025%; no homozygotes.

Submission:

Labcorp Genetics (formerly Invitae), Labcorp
Classification: Uncertain significance for Majeed syndrome. Last evaluated: 2023-04-09. Review status: criteria provided, single submitter. Criteria: Invitae Variant Classification Sherloc (09022015). Collection method: clinical testing. Allele origin: germline.
Comment: This variant is not present in population databases (gnomAD no frequency). Advanced modeling of protein sequence and biophysical properties (such as structural, functional, and spatial information, amino acid conservation, physicochemical variation, residue mobility, and thermodynamic stability) performed at Invitae indicates that this missense variant is not expected to disrupt LPIN2 protein function. ClinVar contains an entry for this variant (Variation ID: 1715237). This variant has not been reported in the literature in individuals affected with LPIN2-related conditions. This sequence change replaces glycine, which is neutral and non-polar, with glutamic acid, which is acidic and polar, at codon 9 of the LPIN2 protein (p.Gly9Glu). In summary, the available evidence is currently insufficient to determine the role of this variant in disease. Therefore, it has been classified as a Variant of Uncertain Significance.

NM_001375808.2(LPIN2):c.26G>A (p.Gly9Glu)

Gene: LPIN2 (lipin 2; minus strand). Cytogenetic location: 18p11.31.
Variant type: single nucleotide variant.
Coding change: c.26G>A on transcript NM_001375808.2 (MANE Select); coding-DNA position 26, G replaced by A.
Protein change: p.Gly9Glu; replaces glycine 9 with glutamic acid.
Molecular consequence: missense variant.
Genome position (GRCh38, 1-based): chr18:2,960,815, C>T on the plus strand (G>A on the coding strand, the complement: LPIN2 is on the minus strand). VCF-style: chr18-2960815-C-T. GRCh37 (hg19) VCF-style: chr18-2960813-C-T.
Other names: c.26G>A, p.Gly9Glu (NM_001375809.1, NM_014646.2); short protein forms G9E.
Identifiers: ClinVar variation 1715237 (VCV001715237.6), dbSNP rs2077700830, ClinGen allele CA401711733.